The following is an entry in ClinVar:

ClinVar aggregate classification (germline): Pathogenic. Review status: criteria provided, multiple submitters, no conflicts (2 of 4 stars). 2 submissions from 2 submitters: Pathogenic (2). Last evaluated 2024-07-12.

Conditions:
Familial hemophagocytic lymphohistiocytosis 3 (FHL3). Also called: UNC13D-Related Familial Hemophagocytic Lymphohistiocytosis (UNC13D-fHLH). Identifiers: Orphanet 540, MedGen C1837174, MONDO:0012146, OMIM 608898.

Allele frequency attached by ClinVar (database versions not stated): gnomAD exomes below 0.00001.
gnomAD v4.1: 1 of 1,563,132 alleles (0.000064%); highest among the groups gnomAD compares: Non-Finnish European, 0.000087%; no homozygotes.

Submissions (2):

Palindrome, Gene Kavoshgaran Aria
Classification: Pathogenic for Familial hemophagocytic lymphohistiocytosis 3. Last evaluated: 2024-07-12. Review status: criteria provided, single submitter. Criteria: ACMG Guidelines, 2015. Collection method: clinical testing. Allele origin: germline. Inheritance: Autosomal recessive inheritance. Affected: yes. Observed: 1 homozygote.

Labcorp Genetics (formerly Invitae), Labcorp
Classification: Pathogenic for Familial hemophagocytic lymphohistiocytosis 3. Last evaluated: 2022-10-28. Review status: criteria provided, single submitter. Criteria: Invitae Variant Classification Sherloc (09022015). Collection method: clinical testing. Allele origin: germline.
Comment: This sequence change affects a donor splice site in intron 28 of the UNC13D gene. It is expected to disrupt RNA splicing. Variants that disrupt the donor or acceptor splice site typically lead to a loss of protein function (PMID: 16199547), and loss-of-function variants in UNC13D are known to be pathogenic (PMID: 14622600). This variant is not present in population databases (gnomAD no frequency). Disruption of this splice site has been observed in individual(s) with hemophagocytic lymphohistiocytosis (PMID: 26684649, 28353193, 29783935). In at least one individual the data is consistent with being in trans (on the opposite chromosome) from a pathogenic variant. ClinVar contains an entry for this variant (Variation ID: 1349251). Algorithms developed to predict the effect of sequence changes on RNA splicing suggest that this variant may disrupt the consensus splice site. For these reasons, this variant has been classified as Pathogenic.

Literature cited by the submitters: PubMed 16199547 (cited by Labcorp Genetics (formerly Invitae), Labcorp); PubMed 14622600 (cited by Labcorp Genetics (formerly Invitae), Labcorp); PubMed 26684649 (cited by Labcorp Genetics (formerly Invitae), Labcorp); PubMed 28353193 (cited by Labcorp Genetics (formerly Invitae), Labcorp); PubMed 29783935 (cited by Labcorp Genetics (formerly Invitae), Labcorp).

NM_199242.3(UNC13D):c.2709+2T>A

Genes: UNC13D (unc-13 homolog D; minus strand), LOC112533672 (Sharpr-MPRA regulatory region 1193; plus strand). Cytogenetic location: 17q25.1.
Variant type: single nucleotide variant.
Coding change: c.2709+2T>A on transcript NM_199242.3 (MANE Select); the canonical splice donor site of the intron after coding-DNA position 2709, T replaced by A.
Molecular consequence: splice donor variant.
Genome position (GRCh38, 1-based): chr17:75,830,576, A>T on the plus strand (T>A on the coding strand, the complement: UNC13D is on the minus strand). VCF-style: chr17-75830576-A-T. GRCh37 (hg19) VCF-style: chr17-73826657-A-T.
Identifiers: ClinVar variation 1349251 (VCV001349251.9), dbSNP rs2143865621, ClinGen allele CA401080493.
Genomic context (GRCh38, chr17:75,830,576, plus strand): 5'-TCACAGCGGGAGCGGGGTGCTCCAGGGCCTGCAGAGGGCGCAGTGCGAGGGAGGGGCCTC[A>T]CCTGCTGCTGGATTCGGCTGCAGAAGTACTTCCGGATGAGTTCCCGGCTGGAGGCCGCCT-3'